The following is an entry in ClinVar:

NM_001378454.1(ALMS1):c.9336A>C (p.Glu3112Asp)

Gene: ALMS1 (ALMS1 centrosome and basal body associated protein; plus strand). Cytogenetic location: 2p13.1.
Variant type: single nucleotide variant.
Coding change: c.9336A>C on transcript NM_001378454.1 (MANE Select); coding-DNA position 9336, A replaced by C.
Protein change: p.Glu3112Asp; replaces glutamic acid 3112 with aspartic acid.
Molecular consequence: missense variant.
Genome position (GRCh38, 1-based): chr2:73,491,295, A>C. VCF-style: chr2-73491295-A-C. GRCh37 (hg19) VCF-style: chr2-73718422-A-C.
Other names: c.9339A>C, p.Glu3113Asp (NM_015120.4); short protein forms E3112D, E3113D.
Identifiers: ClinVar variation 4987849 (VCV004987849.1).

ClinVar aggregate classification (germline): Uncertain significance (1 of 4 stars; one submission).

Conditions:
ALMS1-related disorder. Also called: ALMS1-related condition.

Submission:

PreventionGenetics, part of Exact Sciences
Classification: Uncertain significance for ALMS1-related condition. Last evaluated: 2026-08-31. Review status: criteria provided, single submitter. Criteria: ACMG Guidelines, 2015. Collection method: clinical testing. Allele origin: germline.
Comment: The ALMS1 c.9339A>C variant is predicted to result in the amino acid substitution p.Leu3113Phe. To our knowledge, this variant has not been reported in the literature. This variant is reported in 0.025% of alleles in individuals of African descent in gnomAD. At this time, the clinical significance of this variant is uncertain due to the absence of conclusive functional and genetic evidence.